The following is an entry in ClinVar:

ClinVar aggregate classification (germline): Uncertain significance. Review status: criteria provided, multiple submitters, no conflicts (2 of 4 stars). 2 submissions from 2 submitters: Uncertain significance (2). Last evaluated 2024-09-04.

Conditions:
Inborn genetic diseases. Identifiers: MedGen C0950123, MeSH D030342.
Autosomal dominant Parkinson disease 8. Also called: LRRK2-Related Parkinson Disease; Parkinson disease 8; Parkinson disease 8, susceptibility to. Identifiers: Orphanet 411602, MedGen C1846862, MONDO:0011764, OMIM 607060.

gnomAD v4.1: 5 of 1,614,050 alleles (0.00031%); highest among the groups gnomAD compares: East Asian, 0.0067%; no homozygotes.

Submissions (2):

Labcorp Genetics (formerly Invitae), Labcorp
Classification: Uncertain significance for Autosomal dominant Parkinson disease 8. Last evaluated: 2024-09-04. Review status: criteria provided, single submitter. Criteria: Invitae Variant Classification Sherloc (09022015). Collection method: clinical testing. Allele origin: germline.
Comment: This sequence change replaces valine, which is neutral and non-polar, with isoleucine, which is neutral and non-polar, at codon 1978 of the LRRK2 protein (p.Val1978Ile). This variant is present in population databases (rs762384743, gnomAD 0.003%). This variant has not been reported in the literature in individuals affected with LRRK2-related conditions. ClinVar contains an entry for this variant (Variation ID: 1750585). Invitae Evidence Modeling of protein sequence and biophysical properties (such as structural, functional, and spatial information, amino acid conservation, physicochemical variation, residue mobility, and thermodynamic stability) has been performed for this missense variant. However, the output from this modeling did not meet the statistical confidence thresholds required to predict the impact of this variant on LRRK2 protein function. In summary, the available evidence is currently insufficient to determine the role of this variant in disease. Therefore, it has been classified as a Variant of Uncertain Significance.

Ambry Genetics
Classification: Uncertain significance for Inborn genetic diseases. Last evaluated: 2022-03-04. Review status: criteria provided, single submitter. Criteria: Ambry Variant Classification Scheme 2023. Collection method: clinical testing. Allele origin: germline.
Comment: The p.V1978I variant (also known as c.5932G>A), located in coding exon 40 of the LRRK2 gene, results from a G to A substitution at nucleotide position 5932. The valine at codon 1978 is replaced by isoleucine, an amino acid with highly similar properties. This amino acid position is conserved. In addition, the in silico prediction for this alteration is inconclusive. Since supporting evidence is limited at this time, the clinical significance of this alteration remains unclear.

NM_198578.4(LRRK2):c.5932G>A (p.Val1978Ile)

Gene: LRRK2 (leucine rich repeat kinase 2; plus strand). Cytogenetic location: 12q12.
Variant type: single nucleotide variant.
Coding change: c.5932G>A on transcript NM_198578.4 (MANE Select); coding-DNA position 5932, G replaced by A.
Protein change: p.Val1978Ile; replaces valine 1978 with isoleucine.
Molecular consequence: missense variant.
Genome position (GRCh38, 1-based): chr12:40,335,141, G>A. VCF-style: chr12-40335141-G-A. GRCh37 (hg19) VCF-style: chr12-40728943-G-A.
Other names: short protein forms V1978I.
Identifiers: ClinVar variation 1750585 (VCV001750585.4), dbSNP rs762384743, ClinGen allele CA6514564.
Genomic context (GRCh38, chr12:40,335,141, plus strand): 5'-CTGCTTCAGCAGGACAAAGCCAGCCTCACTAGAACCCTACAGCACAGGATTGCACTCCAC[G>A]TAGCTGATGGTTTGAGGTAAGTAGGTCATGTTGTTTTCTATTCAGTGCATGACAAGTGTG-3'
Protein context (NP_940980.4, residues 1968-1988): RTLQHRIALH[Val1978Ile]ADGLRYLHSA